The following is an entry in ClinVar:

NM_001110556.2(FLNA):c.3207+14G>A

Gene: FLNA (filamin A; minus strand). Cytogenetic location: Xq28.
Variant type: single nucleotide variant.
Coding change: c.3207+14G>A on transcript NM_001110556.2 (MANE Select); 14 bases into the intron after coding-DNA position 3207, G replaced by A.
Molecular consequence: intron variant.
Genome position (GRCh38, 1-based): chrX:154,361,294, C>T on the plus strand (G>A on the coding strand, the complement: FLNA is on the minus strand). VCF-style: chrX-154361294-C-T. GRCh37 (hg19) VCF-style: chrX-153589662-C-T.
Other names: c.3207+14G>A (NM_001456.4).
Identifiers: ClinVar variation 213443 (VCV000213443.14), dbSNP rs200710010, ClinGen allele CA320651.

ClinVar aggregate classification (germline): Benign/Likely benign. Review status: criteria provided, multiple submitters, no conflicts (2 of 4 stars). 7 submissions from 7 submitters: Benign (3); Likely benign (2). 2 of the submissions do not count toward it. Last evaluated 2026-01-27.

Conditions:
Oto-palato-digital syndrome, type II (OPD2). Also called: FACIOPALATOOSSEOUS SYNDROME; Otopalatodigital Syndrome, Type II; Otopalatodigital Syndrome Type 2 (FLNA-OPD2); OPD II SYNDROME. Identifiers: Orphanet 669, Orphanet 90652, MedGen C1844696, MONDO:0010571, OMIM 304120.
Heterotopia, periventricular, X-linked dominant (PVNH1). Also called: X-linked periventricular heterotopia; PERIVENTRICULAR NODULAR HETEROTOPIA 1; PERIVENTRICULAR NODULAR HETEROTOPIA 4; HETEROTOPIA, PERIVENTRICULAR, 1. Identifiers: Orphanet 2149, Orphanet 82004, MedGen C1848213, MONDO:0010233, OMIM 300049.
Frontometaphyseal dysplasia (FMD1). Identifiers: Orphanet 1826, MedGen C0265293, MONDO:0015942.
Melnick-Needles syndrome (MNS). Also called: Melnick-Needles Syndrome (FLNA-MNS); MELNICK-NEEDLES OSTEODYSPLASTY; OSTEODYSPLASTY OF MELNICK AND NEEDLES. Identifiers: Orphanet 2484, MedGen C0025237, MONDO:0010650, OMIM 309350.
Oto-palato-digital syndrome, type I (OPD1). Also called: Taybi syndrome; Otopalatodigital Syndrome, Type I; Otopalatodigital Syndrome Type 1 (FLNA-OPD1); OPD I SYNDROME; OPD SYNDROME 1. Identifiers: Orphanet 669, Orphanet 90650, MedGen C0265251, MONDO:0010704, OMIM 311300.
Intestinal pseudoobstruction, neuronal, chronic idiopathic, X-linked (CIIPX). Also called: CONGENITAL IDIOPATHIC INTESTINAL PSEUDOOBSTRUCTION; FLNA-Related Periventricular Nodular Heterotopia (FLNA-Related PVNH; Huttenlocher Syndrome); INTESTINAL PSEUDOOBSTRUCTION, NEURONAL, CHRONIC IDIOPATHIC, WITH CENTRAL NERVOUS SYSTEM INVOLVEMENT. Identifiers: Orphanet 2301, MedGen C2746068, MONDO:0010232, OMIM 300048.
Frontometaphyseal dysplasia 1 (FMD1). Also called: Frontometaphyseal Dysplasia (FLNA-FMD). Identifiers: Orphanet 1826, MedGen C4281559, MONDO:0024550, OMIM 305620.
Terminal osseous dysplasia-pigmentary defects syndrome. Also called: ODPD; TERMINAL OSSEOUS DYSPLASIA AND PIGMENTARY DEFECTS; Terminal Osseous Dysplasia (FLNA-TOD); ODPF SYNDROME; OSSEOUS DYSPLASIA, DIGITAL, WITH FACIAL PIGMENTARY DEFECTS AND MULTIPLE FRENULA. Identifiers: Orphanet 88630, MedGen C1846129, MONDO:0010279, OMIM 300244.
FG syndrome 2 (FGS2). Identifiers: MedGen C1845902, MONDO:0010297, OMIM 300321.
Cardiac valvular dysplasia, X-linked (CVDPX). Also called: FLNA-Related X-linked Cardiac Valvular Dysplasia; VALVULAR HEART DISEASE, CONGENITAL; Congenital valvular dysplasia; Isolated X-Linked Cardiac Valvular Dysplasia; MYXOMATOUS VALVULAR DYSTROPHY, X-LINKED. Identifiers: Orphanet 1864, Orphanet 555877, Orphanet 75497, MedGen C0262436, MONDO:0010753, OMIM 314400.

Allele frequency attached by ClinVar (database versions not stated): 1000 Genomes Project 30x 0.00021; gnomAD exomes 0.00024 and 0.00041; 1000 Genomes Project 0.00026; ExAC 0.00038; gnomAD 0.00039 and 0.00041; ESP Exome Variant Server 0.00041; TOPMed 0.00046.
gnomAD v4.1: 320 of 1,205,965 alleles (0.027%); highest among the groups gnomAD compares: Middle Eastern, 0.19%; no homozygotes.

Submissions (7):

Labcorp Genetics (formerly Invitae), Labcorp
Classification: Benign for Oto-palato-digital syndrome, type II; Heterotopia, periventricular, X-linked dominant; Frontometaphyseal dysplasia; Melnick-Needles syndrome. Last evaluated: 2026-01-27. Review status: criteria provided, single submitter. Criteria: Invitae Variant Classification Sherloc (09022015). Collection method: clinical testing. Allele origin: germline.

Blueprint Genetics
Classification: Benign. Last evaluated: 2024-09-02. Review status: criteria provided, single submitter. Criteria: ACMG Guidelines, 2015. Collection method: clinical testing. Allele origin: germline.

Women's Health and Genetics/Laboratory Corporation of America, LabCorp
Classification: Likely benign. Last evaluated: 2024-08-06. Review status: criteria provided, single submitter. Criteria: LabCorp Variant Classification Summary - May 2015. Collection method: clinical testing. Allele origin: germline.

Fulgent Genetics
Classification: Likely benign for Intestinal pseudoobstruction, neuronal, chronic idiopathic, X-linked; Heterotopia, periventricular, X-linked dominant; Terminal osseous dysplasia-pigmentary defects syndrome; FG syndrome 2; Oto-palato-digital syndrome, type II; Frontometaphyseal dysplasia 1; Melnick-Needles syndrome; Oto-palato-digital syndrome, type I; Cardiac valvular dysplasia, X-linked. Last evaluated: 2022-04-21. Review status: criteria provided, single submitter. Criteria: ACMG Guidelines, 2015. Collection method: clinical testing. Allele origin: unknown.

GeneDx
Classification: Benign. Last evaluated: 2014-12-08. Review status: criteria provided, single submitter. Criteria: GeneDx Variant Classification (06012015). Collection method: clinical testing. Allele origin: germline. Affected: yes.
Comment: This variant is considered likely benign or benign based on one or more of the following criteria: it is a conservative change, it occurs at a poorly conserved position in the protein, it is predicted to be benign by multiple in silico algorithms, and/or has population frequency not consistent with disease.

Clinical Genetics DNA and cytogenetics Diagnostics Lab, Erasmus MC, Erasmus Medical Center
Classification: Benign. Review status: no assertion criteria provided. Collection method: clinical testing. Allele origin: germline. Affected: yes. Study: VKGL Data-share Consensus. Not counted in ClinVar's aggregate classification.

Genome Diagnostics Laboratory, University Medical Center Utrecht
Classification: Benign. Review status: no assertion criteria provided. Collection method: clinical testing. Allele origin: germline. Affected: yes. Study: VKGL Data-share Consensus. Not counted in ClinVar's aggregate classification.